The following is an entry in ClinVar:

ClinVar aggregate classification (germline): Pathogenic (0 of 4 stars; one submission).

Conditions:
Fanconi anemia complementation group A (FANCA). Also called: Fanconi anemia, group A; FANCA-Related Fanconi Anemia. Identifiers: Orphanet 84, MedGen C3469521, MONDO:0009215, OMIM 227650.

Allele frequency attached by ClinVar (database versions not stated): gnomAD exomes below 0.00001.

Submission:

Leiden Open Variation Database
Classification: Pathogenic for Fanconi anemia complementation group A. Last evaluated: 2020-02-28. Review status: no assertion criteria provided. Collection method: curation. Allele origin: germline. Affected: yes.
Comment: Curator: Arleen D. Auerbach. Submitter to LOVD: Arleen D. Auerbach.

NM_000135.4(FANCA):c.2794T>C (p.Trp932Arg)

Gene: FANCA (FA complementation group A; minus strand). Cytogenetic location: 16q24.3.
Variant type: single nucleotide variant.
Coding change: c.2794T>C on transcript NM_000135.4 (MANE Select); coding-DNA position 2794, T replaced by C.
Protein change: p.Trp932Arg; replaces tryptophan 932 with arginine.
Molecular consequence: missense variant.
Genome position (GRCh38, 1-based): chr16:89,762,007, A>G on the plus strand (T>C on the coding strand, the complement: FANCA is on the minus strand). VCF-style: chr16-89762007-A-G. GRCh37 (hg19) VCF-style: chr16-89828415-A-G.
Other names: c.2794T>C, p.Trp932Arg (NM_001286167.3); short protein forms W932R.
Identifiers: ClinVar variation 974039 (VCV000974039.1), dbSNP rs2038969261, ClinGen allele CA397433831.